The following is an entry in ClinVar:

ClinVar aggregate classification (germline): Pathogenic/Likely pathogenic. Review status: criteria provided, multiple submitters, no conflicts (2 of 4 stars). 2 submissions from 2 submitters: Pathogenic (1); Likely pathogenic (1). Last evaluated 2024-08-27.

Conditions:
Inflammatory bowel disease 25. Also called: Inflammatory bowel disease 25, early onset, autosomal recessive. Identifiers: Orphanet 238569, MedGen C2675508, MONDO:0012941, OMIM 612567.

Submissions (2):

Labcorp Genetics (formerly Invitae), Labcorp
Classification: Likely pathogenic for Inflammatory bowel disease 25. Last evaluated: 2024-08-27. Review status: criteria provided, single submitter. Criteria: Invitae Variant Classification Sherloc (09022015). Collection method: clinical testing. Allele origin: germline.
Comment: This sequence change affects a donor splice site in intron 2 of the IL10RB gene. It is expected to disrupt RNA splicing. Variants that disrupt the donor or acceptor splice site typically lead to a loss of protein function (PMID: 16199547), and loss-of-function variants in IL10RB are known to be pathogenic (PMID: 22549091). This variant is not present in population databases (gnomAD no frequency). This variant has not been reported in the literature in individuals affected with IL10RB-related conditions. ClinVar contains an entry for this variant (Variation ID: 1066486). Algorithms developed to predict the effect of sequence changes on RNA splicing suggest that this variant may disrupt the consensus splice site. In summary, the currently available evidence indicates that the variant is pathogenic, but additional data are needed to prove that conclusively. Therefore, this variant has been classified as Likely Pathogenic.

Laboratory of Medical Genetics, National & Kapodistrian University of Athens
Classification: Pathogenic for Inflammatory bowel disease 25. Last evaluated: 2021-10-05. Review status: criteria provided, single submitter. Criteria: ACMG Guidelines, 2015. Collection method: clinical testing. Allele origin: unknown. Affected: yes.
Comment: PVS1, PM2, PP3, PP5

Literature cited by the submitters: PubMed 16199547 (cited by Labcorp Genetics (formerly Invitae), Labcorp); PubMed 22549091 (cited by Labcorp Genetics (formerly Invitae), Labcorp).

NM_000628.5(IL10RB):c.173+2T>G

Genes: IFNAR2-IL10RB (IFNAR2-IL10RB readthrough; plus strand), IL10RB (interleukin 10 receptor subunit beta; plus strand). Cytogenetic location: 21q22.11.
Variant type: single nucleotide variant.
Coding change: c.173+2T>G on transcript NM_000628.5 (MANE Select); the canonical splice donor site of the intron after coding-DNA position 173, T replaced by G.
Molecular consequence: splice donor variant.
Genome position (GRCh38, 1-based): chr21:33,268,519, T>G. VCF-style: chr21-33268519-T-G. GRCh37 (hg19) VCF-style: chr21-34640824-T-G.
Other names: c.833+2T>G (NM_001414505.1); c.173+2T>G (NM_001405849.1, NM_001405850.1, NM_001406840.1).
Identifiers: ClinVar variation 1066486 (VCV001066486.8), dbSNP rs2123561272, ClinGen allele CA410107487.
Genomic context (GRCh38, chr21:33,268,519, plus strand): 5'-CAGTGGGAGTCACCTGCTTTTGCCAAAGGGAACCTGACTTTCACAGCTCAGTACCTAAGG[T>G]GGGTCTGGCCTCACTATTGGCAGGAACGCACCGGAGGAGCCAGCCCTGGGCTGGTCACTG-3'